The following is an entry in ClinVar:

ClinVar aggregate classification (germline): Likely pathogenic (1 of 4 stars; one submission).

Conditions:
Nemaline myopathy 2 (NEM2). Also called: Nemaline myopathy 2, autosomal recessive. Identifiers: MedGen C1850569, MONDO:0009725, OMIM 256030.

Submission:

Labcorp Genetics (formerly Invitae), Labcorp
Classification: Likely pathogenic for Nemaline myopathy 2. Last evaluated: 2021-11-29. Review status: criteria provided, single submitter. Criteria: Invitae Variant Classification Sherloc (09022015). Collection method: clinical testing. Allele origin: germline.
Comment: This variant is not present in population databases (gnomAD no frequency). This sequence change affects a donor splice site in intron 149 of the NEB gene. It is expected to disrupt RNA splicing. Variants that disrupt the donor or acceptor splice site typically lead to a loss of protein function (PMID: 16199547), and loss-of-function variants in NEB are known to be pathogenic (PMID: 25205138). This variant has not been reported in the literature in individuals affected with NEB-related conditions. In summary, the currently available evidence indicates that the variant is pathogenic, but additional data are needed to prove that conclusively. Therefore, this variant has been classified as Likely Pathogenic. Algorithms developed to predict the effect of sequence changes on RNA splicing suggest that this variant may disrupt the consensus splice site.

Literature cited by the submitters: PubMed 16199547; PubMed 25205138.

NM_001164508.2(NEB):c.21945+1G>C

Genes: NEB (nebulin; minus strand), RIF1 (replication timing regulatory factor 1; plus strand). Cytogenetic location: 2q23.3.
Variant type: single nucleotide variant.
Coding change: c.21945+1G>C on transcript NM_001164508.2 (MANE Select); the canonical splice donor site of the intron after coding-DNA position 21945, G replaced by C.
Molecular consequence: splice donor variant.
Genome position (GRCh38, 1-based): chr2:151,526,917, C>G on the plus strand (G>C on the coding strand, the complement: NEB is on the minus strand). VCF-style: chr2-151526917-C-G. GRCh37 (hg19) VCF-style: chr2-152383431-C-G.
Other names: c.16842+1G>C (NM_004543.5); c.21945+1G>C (NM_001164507.2); c.22050+1G>C (NM_001271208.2).
Identifiers: ClinVar variation 1494524 (VCV001494524.6), dbSNP rs2153458564, ClinGen allele CA348768043.
Genomic context (GRCh38, chr2:151,526,917, plus strand): 5'-CTGTACCATGGAAGATGGCCCTGAGTGAGGTTAGGCATCATGGAAGGAACTAGGTACTTA[C>G]ATCACTTTCTATTAAAGTATTCCTGAGGGCGAGCACCGTGTTTTTGTCATCAGTGACAGA-3'